The following is an entry in ClinVar:

NM_145290.4(ADGRA3):c.330-2A>G

Gene: ADGRA3 (adhesion G protein-coupled receptor A3; minus strand). Cytogenetic location: 4p15.2.
Variant type: single nucleotide variant.
Coding change: c.330-2A>G on transcript NM_145290.4 (MANE Select); the canonical splice acceptor site of the intron before coding-DNA position 330, A replaced by G.
Molecular consequence: splice acceptor variant.
Genome position (GRCh38, 1-based): chr4:22,461,810, T>C on the plus strand (A>G on the coding strand, the complement: ADGRA3 is on the minus strand). VCF-style: chr4-22461810-T-C. GRCh37 (hg19) VCF-style: chr4-22463433-T-C.
Identifiers: ClinVar variation 2810042 (VCV002810042.3), dbSNP rs377186116, ClinGen allele CA356480569.
Genomic context (GRCh38, chr4:22,461,810, plus strand): 5'-ATGACAGTCCCCAGAAGGCACCTGGATCTATACTACTAATAAGATTGTTTCGGAGGTCCC[T>C]GTTAAAAATAAAATAAAAGTTATTCACATATCAACACTGCAACAAGTATTCAGGCACAAT-3'

ClinVar aggregate classification (germline): Uncertain significance (1 of 4 stars; one submission).

gnomAD v4.1: 2 of 1,594,882 alleles (0.00013%); highest among the groups gnomAD compares: Non-Finnish European, 0.00017%; no homozygotes.

Submission:

Labcorp Genetics (formerly Invitae), Labcorp
Classification: Uncertain significance. Last evaluated: 2023-07-24. Review status: criteria provided, single submitter. Criteria: Invitae Variant Classification Sherloc (09022015). Collection method: clinical testing. Allele origin: germline.
Comment: In summary, the available evidence is currently insufficient to determine the role of this variant in disease. Therefore, it has been classified as a Variant of Uncertain Significance. Algorithms developed to predict the effect of sequence changes on RNA splicing suggest that this variant may disrupt the consensus splice site. This variant has not been reported in the literature in individuals affected with ADGRA3-related conditions. This variant is not present in population databases (gnomAD no frequency). This sequence change affects an acceptor splice site in intron 2 of the ADGRA3 gene. It is expected to disrupt RNA splicing. Variants that disrupt the donor or acceptor splice site typically lead to a loss of protein function (PMID: 16199547), however the current clinical and genetic evidence is not sufficient to establish whether loss-of-function variants in ADGRA3 cause disease.

Literature cited by the submitters: PubMed 16199547.